The following is an entry in ClinVar:

ClinVar aggregate classification (germline): Likely benign. Review status: criteria provided, multiple submitters, no conflicts (2 of 4 stars). 6 submissions from 6 submitters: Likely benign (5). 1 of the submissions does not count toward it. Last evaluated 2026-01-19.

Conditions:
Cystic fibrosis (CF). Also called: MUCOVISCIDOSIS. Identifiers: Orphanet 586, MedGen C0010674, MONDO:0009061, OMIM 219700. Disease mechanism: loss of function.
CFTR-related disorder (CFTR-RD). Also called: CFTR-related disorders; CFTR-related condition. Identifiers: MedGen C5924204, MONDO:7770004.

Allele frequency attached by ClinVar (database versions not stated): gnomAD below 0.00001 and 0.00004; TOPMed 0.00002; gnomAD exomes 0.00007 and 0.00016; 1000 Genomes Project 30x 0.00016; ExAC 0.00017; 1000 Genomes Project 0.00020.
gnomAD v4.1: 114 of 1,601,760 alleles (0.0071%); highest among the groups gnomAD compares: South Asian, 0.12%; no homozygotes.

Submissions (6):

Labcorp Genetics (formerly Invitae), Labcorp
Classification: Likely benign for Cystic fibrosis. Last evaluated: 2026-01-19. Review status: criteria provided, single submitter. Criteria: Invitae Variant Classification Sherloc (09022015). Collection method: clinical testing. Allele origin: germline.

Blueprint Genetics
Classification: Likely benign. Last evaluated: 2024-04-08. Review status: criteria provided, single submitter. Criteria: ACMG Guidelines, 2015. Collection method: clinical testing. Allele origin: germline.

Women's Health and Genetics/Laboratory Corporation of America, LabCorp
Classification: Likely benign. Last evaluated: 2021-05-09. Review status: criteria provided, single submitter. Criteria: LabCorp Variant Classification Summary - May 2015. Collection method: clinical testing. Allele origin: germline.

Ambry Genetics
Classification: Likely benign for Cystic fibrosis. Last evaluated: 2015-06-19. Review status: criteria provided, single submitter. Criteria: Ambry Variant Classification Scheme 2023. Collection method: clinical testing. Allele origin: germline.

Breakthrough Genomics
Classification: Likely benign. Review status: criteria provided, single submitter. Criteria: ACMG Guidelines, 2015. Collection method: not provided. Allele origin: germline. Inheritance: Autosomal recessive inheritance. Affected: yes.

PreventionGenetics, part of Exact Sciences
Classification: Likely benign for CFTR-related condition. Last evaluated: 2024-07-12. Review status: no assertion criteria provided. Collection method: clinical testing. Allele origin: germline. Not counted in ClinVar's aggregate classification.
Comment: This variant is classified as likely benign based on ACMG/AMP sequence variant interpretation guidelines (Richards et al. 2015 PMID: 25741868, with internal and published modifications).

NM_000492.4(CFTR):c.4236A>G (p.Gln1412=)

Gene: CFTR (CF transmembrane conductance regulator; plus strand). Cytogenetic location: 7q31.2.
Variant type: single nucleotide variant.
Coding change: c.4236A>G on transcript NM_000492.4 (MANE Select); coding-DNA position 4236, A replaced by G.
Protein change: p.Gln1412=; no amino-acid change (glutamine 1412 retained).
Molecular consequence: synonymous variant.
Genome position (GRCh38, 1-based): chr7:117,665,558, A>G. VCF-style: chr7-117665558-A-G. GRCh37 (hg19) VCF-style: chr7-117305612-A-G.
Identifiers: ClinVar variation 704109 (VCV000704109.19), dbSNP rs541737583, ClinGen allele CA4451665.